The following is an entry in ClinVar:

NM_001378452.1(ITPR1):c.3079A>G (p.Ser1027Gly)

Gene: ITPR1 (inositol 1,4,5-trisphosphate receptor type 1; plus strand). Cytogenetic location: 3p26.1.
Variant type: single nucleotide variant.
Coding change: c.3079A>G on transcript NM_001378452.1 (MANE Select); coding-DNA position 3079, A replaced by G.
Protein change: p.Ser1027Gly; replaces serine 1027 with glycine.
Molecular consequence: missense variant.
Genome position (GRCh38, 1-based): chr3:4,680,664, A>G. VCF-style: chr3-4680664-A-G. GRCh37 (hg19) VCF-style: chr3-4722348-A-G.
Other names: c.3052A>G, p.Ser1018Gly (NM_001099952.4); c.3034A>G, p.Ser1012Gly (NM_001168272.2); c.3007A>G, p.Ser1003Gly (NM_002222.7); short protein forms S1003G, S1012G, S1018G, S1027G.
Identifiers: ClinVar variation 1306375 (VCV001306375.7), dbSNP rs1235735557, ClinGen allele CA351650274.
Genomic context (GRCh38, chr3:4,680,664, plus strand): 5'-TTTAAGCGAGAGTTTGATGAAAGCAATTCCCAGACTTCAGAAACATCCTCCGGAAACAGC[A>G]GCCAAGAAGGGCCAAGTAATGTACCAGGTTAGTGATTCAGAATGGAATTTCAGCCATAGA-3'
Protein context (NP_001365381.1, residues 1017-1037): QTSETSSGNS[Ser1027Gly]QEGPSNVPGA

ClinVar aggregate classification (germline): Uncertain significance. Review status: criteria provided, multiple submitters, no conflicts (2 of 4 stars). 3 submissions from 3 submitters: Uncertain significance (3). Last evaluated 2023-12-01.

Conditions:
Inborn genetic diseases. Identifiers: MedGen C0950123, MeSH D030342.

Allele frequency attached by ClinVar (database versions not stated): gnomAD exomes below 0.00001; TOPMed 0.00001.
gnomAD v4.1: 1 of 1,613,446 alleles (0.000062%); highest among the groups gnomAD compares: Admixed American, 0.0017%; no homozygotes.

Submissions (3):

Labcorp Genetics (formerly Invitae), Labcorp
Classification: Uncertain significance. Last evaluated: 2023-12-01. Review status: criteria provided, single submitter. Criteria: Invitae Variant Classification Sherloc (09022015). Collection method: clinical testing. Allele origin: germline.
Comment: This sequence change replaces serine, which is neutral and polar, with glycine, which is neutral and non-polar, at codon 1003 of the ITPR1 protein (p.Ser1003Gly). This variant is present in population databases (no rsID available, gnomAD 0.003%). This variant has not been reported in the literature in individuals affected with ITPR1-related conditions. ClinVar contains an entry for this variant (Variation ID: 1306375). Advanced modeling of protein sequence and biophysical properties (such as structural, functional, and spatial information, amino acid conservation, physicochemical variation, residue mobility, and thermodynamic stability) performed at Invitae indicates that this missense variant is not expected to disrupt ITPR1 protein function with a negative predictive value of 95%. In summary, the available evidence is currently insufficient to determine the role of this variant in disease. Therefore, it has been classified as a Variant of Uncertain Significance.

Ambry Genetics
Classification: Uncertain significance for Inborn genetic diseases. Last evaluated: 2022-03-11. Review status: criteria provided, single submitter. Criteria: Ambry Variant Classification Scheme 2023. Collection method: clinical testing. Allele origin: germline.

GeneDx
Classification: Uncertain significance. Last evaluated: 2019-06-07. Review status: criteria provided, single submitter. Criteria: GeneDx Variant Classification Process June 2021. Collection method: clinical testing. Allele origin: germline. Affected: yes.
Comment: In silico analysis, which includes protein predictors and evolutionary conservation, supports that this variant does not alter protein structure/function; Has not been previously published as pathogenic or benign to our knowledge